The following is an entry in ClinVar:

ClinVar aggregate classification (germline): Conflicting classifications of pathogenicity. Review status: criteria provided, conflicting classifications (1 of 4 stars). 5 submissions from 5 submitters: Uncertain significance (4); Likely benign (1). Last evaluated 2026-06-12.

Conditions:
Hypophosphatemic rickets, autosomal recessive, 1 (ARHR1). Also called: HYPOPHOSPHATEMIA, AUTOSOMAL RECESSIVE. Identifiers: Orphanet 289176, MedGen C4551495, MONDO:0009430, OMIM 241520. Disease mechanism: loss of function.

Allele frequency attached by ClinVar (database versions not stated): 1000 Genomes Project 0.00020; ExAC 0.00026; gnomAD exomes 0.00027 and 0.00045; 1000 Genomes Project 30x 0.00031; ESP Exome Variant Server 0.00031; gnomAD 0.00036; TOPMed 0.00041.

Submissions (5):

Women's Health and Genetics/Laboratory Corporation of America, LabCorp
Classification: Uncertain significance. Last evaluated: 2026-06-12. Review status: criteria provided, single submitter. Criteria: LabCorp Variant Classification Summary - May 2015. Collection method: clinical testing. Allele origin: germline.
Comment: Variant summary: DMP1 c.1255C>T (p.Pro419Ser) results in a non-conservative amino acid change in the encoded protein sequence. Algorithms developed to predict the effect of missense changes on protein structure and function are either unavailable or do not agree on the potential impact of this missense change. The variant allele was found at a frequency of 0.00027 in 250820 control chromosomes. This frequency is not significantly higher than estimated for disease-causing variants in DMP1, allowing no conclusion about variant significance. c.1255C>T has been observed in individual from a hypophosphatemic rickets cohort without strong evidence for causality (Ruppe_2011). This report does not provide unequivocal conclusions about association of the variant with Hypophosphatemic Rickets, Autosomal Recessive, 1. These report(s) do not provide unequivocal conclusions about association of the variant with disease. To our knowledge, no experimental evidence demonstrating an impact on protein function has been reported. The following publication have been ascertained in the context of this evaluation (PMID: 21050253). ClinVar contains an entry for this variant (Variation ID: 907170). Based on the evidence outlined above, the variant was classified as uncertain significance.

Blueprint Genetics
Classification: Likely benign. Last evaluated: 2024-11-21. Review status: criteria provided, single submitter. Criteria: ACMG Guidelines, 2015. Collection method: clinical testing. Allele origin: germline.

Labcorp Genetics (formerly Invitae), Labcorp
Classification: Uncertain significance. Last evaluated: 2022-08-22. Review status: criteria provided, single submitter. Criteria: Invitae Variant Classification Sherloc (09022015). Collection method: clinical testing. Allele origin: germline.
Comment: This sequence change replaces proline, which is neutral and non-polar, with serine, which is neutral and polar, at codon 419 of the DMP1 protein (p.Pro419Ser). This variant is present in population databases (rs140275311, gnomAD 0.06%). This variant has not been reported in the literature in individuals affected with DMP1-related conditions. ClinVar contains an entry for this variant (Variation ID: 907170). Algorithms developed to predict the effect of missense changes on protein structure and function output the following: SIFT: "Tolerated"; PolyPhen-2: "Not Available"; Align-GVGD: "Class C0". The serine amino acid residue is found in multiple mammalian species, which suggests that this missense change does not adversely affect protein function. In summary, the available evidence is currently insufficient to determine the role of this variant in disease. Therefore, it has been classified as a Variant of Uncertain Significance.

Fulgent Genetics
Classification: Uncertain significance for Hypophosphatemic rickets, autosomal recessive, 1. Last evaluated: 2022-04-14. Review status: criteria provided, single submitter. Criteria: ACMG Guidelines, 2015. Collection method: clinical testing. Allele origin: unknown.

Illumina Laboratory Services, Illumina
Classification: Uncertain significance for Hypophosphatemic rickets, autosomal recessive, 1. Last evaluated: 2017-09-21. Review status: criteria provided, single submitter. Criteria: ICSL Variant Classification Criteria 13 December 2019. Collection method: clinical testing. Allele origin: germline.
Comment: This variant was observed as part of a predisposition screen in an ostensibly healthy population. A literature search was performed for the gene, cDNA change, and amino acid change (where applicable). Publications were found based on this search. However, the evidence from the literature, in combination with allele frequency data from public databases where available, was not sufficient to rule this variant in or out of causing disease. Therefore, this variant is classified as a variant of unknown significance.

Literature cited by the submitters: PubMed 21050253 (cited by Women's Health and Genetics/Laboratory Corporation of America, LabCorp and Illumina Laboratory Services, Illumina).

NM_004407.4(DMP1):c.1255C>T (p.Pro419Ser)

Genes: DMP1 (dentin matrix acidic phosphoprotein 1; plus strand), DMP1-AS1 (DMP1 and DSPP antisense RNA 1; minus strand). Cytogenetic location: 4q22.1.
Variant type: single nucleotide variant.
Coding change: c.1255C>T on transcript NM_004407.4 (MANE Select); coding-DNA position 1255, C replaced by T.
Protein change: p.Pro419Ser; replaces proline 419 with serine.
Molecular consequence: missense variant.
Genome position (GRCh38, 1-based): chr4:87,663,033, C>T. VCF-style: chr4-87663033-C-T. GRCh37 (hg19) VCF-style: chr4-88584185-C-T.
Other names: c.1207C>T, p.Pro403Ser (NM_001079911.3); short protein forms P403S, P419S.
Identifiers: ClinVar variation 907170 (VCV000907170.9), dbSNP rs140275311, ClinGen allele CA3002169.